The following is an entry in ClinVar:

ClinVar aggregate classification (germline): Uncertain significance (1 of 4 stars; one submission).

Conditions:
Anauxetic dysplasia. Identifiers: Orphanet 93347, MedGen C1846796, MONDO:0011773.

Submission:

Labcorp Genetics (formerly Invitae), Labcorp
Classification: Uncertain significance for Anauxetic dysplasia. Last evaluated: 2022-01-13. Review status: criteria provided, single submitter. Criteria: Invitae Variant Classification Sherloc (09022015). Collection method: clinical testing. Allele origin: germline.
Comment: This variant occurs in the RMRP gene, which encodes an RNA molecule that does not result in a protein product. In summary, the available evidence is currently insufficient to determine the role of this variant in disease. Therefore, it has been classified as a Variant of Uncertain Significance. Experimental studies and prediction algorithms are not available or were not evaluated, and the functional significance of this variant is currently unknown. This variant has not been reported in the literature in individuals affected with RMRP-related conditions. This variant is not present in population databases (gnomAD no frequency).

NC_000009.12:g.35658011C>G

Gene: RMRP (RNA component of mitochondrial RNA processing endoribonuclease; minus strand). Cytogenetic location: 9p13.3.
Variant type: single nucleotide variant.
Genome position: GRCh38 VCF-style: chr9-35658011-C-G. GRCh37 (hg19) VCF-style: chr9-35658008-C-G.
Identifiers: ClinVar variation 2074411 (VCV002074411.4), dbSNP rs931636767, ClinGen allele CA192745731.